The following is an entry in ClinVar:

ClinVar aggregate classification (germline): Uncertain significance. Review status: criteria provided, multiple submitters, no conflicts (2 of 4 stars). 2 submissions from 2 submitters: Uncertain significance (2). Last evaluated 2026-08-21.

Conditions:
Retinitis pigmentosa 25 (RP25). Identifiers: Orphanet 791, MedGen C1864446, MONDO:0011272, OMIM 602772.

Allele frequency attached by ClinVar (database versions not stated): gnomAD exomes 0.00001; TOPMed 0.00002.
gnomAD v4.1: 9 of 1,543,982 alleles (0.00058%); highest among the groups gnomAD compares: Admixed American, 0.018%; no homozygotes.

Submissions (2):

Myriad Genetics, Inc.
Classification: Uncertain significance for Retinitis pigmentosa 25. Last evaluated: 2026-08-21. Review status: criteria provided, single submitter. Criteria: Myriad Autosomal Dominant, Autosomal Recessive and X-Linked Classification Criteria (2023). Collection method: clinical testing. Allele origin: unknown.
Comment: NM_001142800.1(EYS):c.6035C>T(S2012F) is a missense variant classified as a variant of uncertain significance in the context of retinitis pigmentosa, EYS-related. S2012F has not been observed in cases with relevant disease. Relevant functional assessments of this variant are not available in the literature. S2012F has been observed in referenced population frequency databases. In summary, there is insufficient evidence to classify NM_001142800.1(EYS):c.6035C>T(S2012F) as pathogenic or benign. Please note: this variant was assessed in the context of healthy population screening.

Labcorp Genetics (formerly Invitae), Labcorp
Classification: Uncertain significance. Last evaluated: 2022-03-02. Review status: criteria provided, single submitter. Criteria: Invitae Variant Classification Sherloc (09022015). Collection method: clinical testing. Allele origin: germline.
Comment: This sequence change replaces serine, which is neutral and polar, with phenylalanine, which is neutral and non-polar, at codon 2012 of the EYS protein (p.Ser2012Phe). This variant is present in population databases (rs200634596, gnomAD 0.03%). This variant has not been reported in the literature in individuals affected with EYS-related conditions. Algorithms developed to predict the effect of missense changes on protein structure and function output the following: SIFT: "Deleterious"; PolyPhen-2: "Benign"; Align-GVGD: "Class C0". The phenylalanine amino acid residue is found in multiple mammalian species, which suggests that this missense change does not adversely affect protein function. In summary, the available evidence is currently insufficient to determine the role of this variant in disease. Therefore, it has been classified as a Variant of Uncertain Significance.

NM_001142800.2(EYS):c.6035C>T (p.Ser2012Phe)

Gene: EYS (EGF-like photoreceptor maintenance factor; minus strand). Cytogenetic location: 6q12.
Variant type: single nucleotide variant.
Coding change: c.6035C>T on transcript NM_001142800.2 (MANE Select); coding-DNA position 6035, C replaced by T.
Protein change: p.Ser2012Phe; replaces serine 2012 with phenylalanine.
Molecular consequence: missense variant.
Genome position (GRCh38, 1-based): chr6:64,388,733, G>A on the plus strand (C>T on the coding strand, the complement: EYS is on the minus strand). VCF-style: chr6-64388733-G-A. GRCh37 (hg19) VCF-style: chr6-65098626-G-A.
Other names: c.6035C>T, p.Ser2012Phe (NM_001292009.2); short protein forms S2012F.
Identifiers: ClinVar variation 2077048 (VCV002077048.2), dbSNP rs200634596, ClinGen allele CA140315859.
Genomic context (GRCh38, chr6:64,388,733, plus strand): 5'-AACATCTATAGAAATACCTGGATTTTCCCATGAAGGTCTGGAAATCCACCAATGAAGACA[G>A]ATCCTGATTTTGGCAGGGGTTTTCCGAGTACATGATTGATAGATTCGCATATTTGTGTAT-3'
Protein context (NP_001136272.1, residues 2002-2022): VLGKPLPKSG[Ser2012Phe]VFIGGFPDLH